The following is an entry in ClinVar:

ClinVar aggregate classification (germline): Uncertain significance (1 of 4 stars; one submission).

Conditions:
Chédiak-Higashi syndrome (CHS). Also called: Chediak-Higashi Syndrome. Identifiers: Orphanet 167, MedGen C0007965, MONDO:0008963, OMIM 214500.

Submission:

Labcorp Genetics (formerly Invitae), Labcorp
Classification: Uncertain significance for Chédiak-Higashi syndrome. Last evaluated: 2025-04-01. Review status: criteria provided, single submitter. Criteria: Invitae Variant Classification Sherloc (09022015). Collection method: clinical testing. Allele origin: germline.
Comment: This sequence change falls in intron 32 of the LYST gene. It does not directly change the encoded amino acid sequence of the LYST protein. It affects a nucleotide within the consensus splice site. This variant is not present in population databases (gnomAD no frequency). This variant has not been reported in the literature in individuals affected with LYST-related conditions. Variants that disrupt the consensus splice site are a relatively common cause of aberrant splicing (PMID: 17576681, 9536098). Algorithms developed to predict the effect of sequence changes on RNA splicing suggest that this variant is not likely to affect RNA splicing. In summary, the available evidence is currently insufficient to determine the role of this variant in disease. Therefore, it has been classified as a Variant of Uncertain Significance.

Literature cited by the submitters: PubMed 17576681; PubMed 9536098.

NM_000081.4(LYST):c.8535+3G>A

Gene: LYST (lysosomal trafficking regulator; minus strand). Cytogenetic location: 1q42.3.
Variant type: single nucleotide variant.
Coding change: c.8535+3G>A on transcript NM_000081.4 (MANE Select); 3 bases into the intron after coding-DNA position 8535, G replaced by A.
Molecular consequence: intron variant.
Genome position (GRCh38, 1-based): chr1:235,734,480, C>T on the plus strand (G>A on the coding strand, the complement: LYST is on the minus strand). VCF-style: chr1-235734480-C-T. GRCh37 (hg19) VCF-style: chr1-235897780-C-T.
Other names: c.8535+3G>A (NM_001301365.1).
Identifiers: ClinVar variation 4805647 (VCV004805647.1).